The following is an entry in ClinVar:

ClinVar aggregate classification (germline): Likely benign. Review status: criteria provided, multiple submitters, no conflicts (2 of 4 stars). 3 submissions from 3 submitters: Likely benign (3). Last evaluated 2025-08-24.

Conditions:
Cardiovascular phenotype. Identifiers: MedGen CN230736.
Long QT syndrome (LQTS). Identifiers: MedGen C0023976, MeSH D008133, MONDO:0002442. Disease mechanism: loss of function. Inheritance: Various modes of inheritance.

Allele frequency attached by ClinVar (database versions not stated): gnomAD exomes below 0.00001; TOPMed below 0.00001.
gnomAD v4.1: 8 of 1,614,120 alleles (0.0005%); highest among the groups gnomAD compares: South Asian, 0.0044%; no homozygotes.

Submissions (3):

Labcorp Genetics (formerly Invitae), Labcorp
Classification: Likely benign for Long QT syndrome. Last evaluated: 2025-08-24. Review status: criteria provided, single submitter. Criteria: Invitae Variant Classification Sherloc (09022015). Collection method: clinical testing. Allele origin: germline.

All of Us Research Program, National Institutes of Health
Classification: Likely benign for Long QT syndrome. Last evaluated: 2023-12-13. Review status: criteria provided, single submitter. Criteria: ACMG Guidelines, 2015. Collection method: clinical testing. Allele origin: germline. Inheritance: Autosomal dominant inheritance. Observed: 1 variant allele, 1 heterozygote.
Comment: This study involves interpretation of variants in research participants for the purpose of population health screening. Participant phenotype was not available at the time of variant classification. Additional details can be found in publication PMID: 35346344, PMCID: PMC8962531

Ambry Genetics
Classification: Likely benign for Cardiovascular phenotype. Last evaluated: 2023-10-05. Review status: criteria provided, single submitter. Criteria: Ambry Variant Classification Scheme 2023. Collection method: clinical testing. Allele origin: germline.

NM_000238.4(KCNH2):c.1533C>T (p.Leu511=)

Gene: KCNH2 (potassium voltage-gated channel subfamily H member 2; minus strand). Cytogenetic location: 7q36.1.
Variant type: single nucleotide variant.
Coding change: c.1533C>T on transcript NM_000238.4 (MANE Select); coding-DNA position 1533, C replaced by T.
Protein change: p.Leu511=; no amino-acid change (leucine 511 retained).
Molecular consequence: synonymous variant. On other transcripts: non-coding transcript variant (2).
Genome position (GRCh38, 1-based): chr7:150,952,449, G>A on the plus strand (C>T on the coding strand, the complement: KCNH2 is on the minus strand). VCF-style: chr7-150952449-G-A. GRCh37 (hg19) VCF-style: chr7-150649537-G-A.
Other names: c.513C>T, p.Leu171= (NM_001204798.2, NM_172057.3); c.1245C>T, p.Leu415= (NM_001406753.1, NM_001406756.1); c.1356C>T, p.Leu452= (NM_001406755.1); c.1233C>T, p.Leu411= (NM_001406757.1); c.1533C>T, p.Leu511= (NM_172056.3).
Identifiers: ClinVar variation 1375032 (VCV001375032.13), dbSNP rs1489383422, ClinGen allele CA458871584.